The following continues an entry in ClinVar:

NM_000350.3(ABCA4):c.6088C>T (p.Arg2030Ter)

Gene: ABCA4. ClinVar aggregate classification (germline): Pathogenic/Likely pathogenic. Pathogenic (21); Likely pathogenic (3).

Submissions 11 to 31 of 31:

Blueprint Genetics
Classification: Pathogenic for ABCA4-related disorders. Last evaluated: 2023-09-14. Review status: criteria provided, single submitter. Criteria: ACMG Guidelines, 2015. Collection method: clinical testing. Allele origin: germline. Affected: yes. Observed: 5 variant alleles.

Ophthalmic Genetics Group, Institute of Molecular and Clinical Ophthalmology Basel
Classification: Pathogenic for Stargardt disease. Last evaluated: 2023-07-24. Review status: criteria provided, single submitter. Criteria: ACMG Guidelines, 2015. Collection method: research. Allele origin: germline. Affected: yes. Observed: 1 variant allele.
Comment: Clinical significance based on ACMG v2.0

This variant was classified as Pathogenic based on ACMG criteria: PS4, PM2, PP5.

Neuberg Centre For Genomic Medicine, NCGM
Classification: Pathogenic for Severe early-childhood-onset retinal dystrophy. Last evaluated: 2023-06-22. Review status: criteria provided, single submitter. Criteria: ACMG Guidelines, 2015. Collection method: clinical testing. Allele origin: germline. Inheritance: Autosomal recessive inheritance. Affected: yes.
Comment: The stop gained variant c.6088C>T(p.Arg2030Ter) in ABCA4 gene has been observed in homozygous or compound heterozygous state in multiple individual(s) with ABCA4-related retinal diseases (Tanaka et. al., 2018; González-del Pozo et. al., 2014, Singh HP, et al., 2006). The (p.Arg2030Ter) variant is reported with 0.003% allele frequency in gnomAD Exomes. This variant has been reported to the ClinVar database as Likely Pathogenic / Pathogenic (multiple submitters). The nucleotide change c.6088C>T in ABCA4 is predicted as conserved by GERP++ and PhyloP across 100 vertebrates. Loss-of-function variants in ABCA4 are known to be pathogenic (Jiang et. al., 2016). This variant is predicted to cause loss of normal protein function through protein truncation. For these reasons, this variant has been classified as Pathogenic.

GeneDx
Classification: Pathogenic. Last evaluated: 2023-03-24. Review status: criteria provided, single submitter. Criteria: GeneDx Variant Classification Process June 2021. Collection method: clinical testing. Allele origin: germline. Affected: yes.
Comment: Nonsense variant predicted to result in protein truncation or nonsense mediated decay in a gene for which loss of function is a known mechanism of disease; This variant is associated with the following publications: (PMID: 25544989, 26551331, 9973280, 28947085, 29186038, 25525159, 33090715, 35119454, 32619608, 29641573, 23755871, 22589445, 34758253, 30093795, 26780318, 33691693, 33301772, 26247787, 29925512)

Neuberg Centre For Genomic Medicine, NCGM
Classification: Pathogenic for Leber congenital amaurosis 14. Last evaluated: 2023-02-14. Review status: criteria provided, single submitter. Criteria: ACMG Guidelines, 2015. Collection method: clinical testing. Allele origin: germline. Inheritance: Autosomal recessive inheritance. Affected: yes.

Broad Center for Mendelian Genomics, Broad Institute of MIT and Harvard
Classification: Pathogenic for ABCA4-related retinopathy. Last evaluated: 2023-01-25. Review status: criteria provided, single submitter. Criteria: ACMG Guidelines, 2015. Collection method: curation. Allele origin: germline. Inheritance: Autosomal recessive inheritance.
Comment: The p.Arg2030Ter variant in ABCA4 has been previously reported in at least six unrelated individuals with autosomal recessive ABCA4-related retinopathy (PMID: 25312043, PMID: 30718709, PMID: 16546111, PMID: 28947085, PMID: 25544989) and segregated with disease in 6 affected relatives from 2 families (PMID: 16546111, PMID: 25544989), but has been identified in 0.01% (4/30616) of South Asian chromosomes by the Genome Aggregation Database (gnomAD; dbSNP ID: rs61751383). Although this variant has been seen in the general population in a heterozygous state, its frequency is low enough to be consistent with a recessive carrier frequency. Of the six unrelated affected individuals previously reported (PMID: 25312043, PMID: 30718709, PMID: 16546111, PMID: 28947085, PMID: 25544989), two were homozygotes (PMID: 30718709, PMID: 16546111), two were compound heterozygotes who carried pathogenic or likely pathogenic variants in trans (PMID: 25544989, ClinVar Variation ID: 99114; PMID: 28947085, ClinVar Variation ID: 236128), and two were compound heterozygotes who carried pathogenic variants with unknown phase (PMID: 25312043, ClinVar Variation ID: 99108, 30218), which increases the likelihood that the p.Arg2030Ter variant is pathogenic. This variant has also been reported in ClinVar (Variation ID: 7907) and has been interpreted as pathogenic or likely pathogenic by multiple submitters. This nonsense variant leads to a premature termination codon at position 2030, which is predicted to lead to a truncated or absent protein. Loss of function of the ABCA4 gene is an established disease mechanism in autosomal recessive ABCA4-related retinopathy. In summary, this variant meets criteria to be classified as pathogenic for autosomal recessive ABCA4-related retinopathy. ACMG/AMP Criteria applied: PVS1, PM2_Supporting, PM3_VeryStrong, PP1_Strong (Richards 2015).

Fulgent Genetics
Classification: Pathogenic for Age related macular degeneration 2; Severe early-childhood-onset retinal dystrophy; Retinitis pigmentosa 19; Cone-rod dystrophy 3. Last evaluated: 2022-03-03. Review status: criteria provided, single submitter. Criteria: ACMG Guidelines, 2015. Collection method: clinical testing. Allele origin: unknown.

Institute of Medical Genetics and Applied Genomics, University Hospital Tübingen
Classification: Pathogenic for Stargardt disease. Last evaluated: 2021-10-25. Review status: criteria provided, single submitter. Criteria: ACMG Guidelines, 2015. Collection method: clinical testing. Allele origin: germline. Inheritance: Autosomal recessive inheritance. Affected: yes.

Institute of Medical Molecular Genetics, University of Zurich
Classification: Likely pathogenic for Severe early-childhood-onset retinal dystrophy. Last evaluated: 2021-01-30. Review status: criteria provided, single submitter. Criteria: ACMG Guidelines, 2015. Collection method: clinical testing. Allele origin: unknown. Affected: yes.

Genetics and Genomic Medicine Centre, NeuroGen Healthcare, NeuroGen Healthcare
Classification: Pathogenic for Severe early-childhood-onset retinal dystrophy. Last evaluated: 2020-02-12. Review status: criteria provided, single submitter. Criteria: Submitter's publication. Collection method: clinical testing. Allele origin: unknown. Affected: no.

Mendelics
Classification: Pathogenic for Severe early-childhood-onset retinal dystrophy. Last evaluated: 2019-05-28. Review status: criteria provided, single submitter. Criteria: Mendelics Assertion Criteria 2017. Collection method: clinical testing. Allele origin: unknown.

Institute of Human Genetics, Univ. Regensburg, Univ. Regensburg
Classification: Pathogenic for Retinal dystrophy. Last evaluated: 2017-01-01. Review status: criteria provided, single submitter. Criteria: ACMG Guidelines, 2015. Collection method: clinical testing. Allele origin: germline. Affected: yes.

Clinical Genetics Service, Universitary Hospital 12 de Octubre
Classification: Pathogenic for Severe early-childhood-onset retinal dystrophy. Review status: criteria provided, single submitter. Criteria: ACMG Guidelines, 2015. Collection method: clinical testing. Allele origin: germline. Affected: yes.

Genomics England Pilot Project, Genomics England
Classification: Likely pathogenic for Retinitis pigmentosa 19. Review status: criteria provided, single submitter. Criteria: ACGS Guidelines, 2016. Collection method: clinical testing. Allele origin: germline. Affected: yes.

Department of Clinical Genetics, Copenhagen University Hospital, Rigshospitalet
Classification: Pathogenic for Stargardt disease. Last evaluated: 2018-04-01. Review status: no assertion criteria provided. Collection method: research. Allele origin: unknown. Affected: yes. Study: VeluxRD. Not counted in ClinVar's aggregate classification.

NIHR Bioresource Rare Diseases, University of Cambridge
Classification: Pathogenic. Last evaluated: 2015-01-01. Review status: no assertion criteria provided. Collection method: research. Allele origin: unknown. Affected: yes. Observed: 1 variant allele. Not counted in ClinVar's aggregate classification.

NIHR Bioresource Rare Diseases, University of Cambridge
Classification: Pathogenic for Retinal dystrophy. Last evaluated: 2015-01-01. Review status: no assertion criteria provided. Collection method: research. Allele origin: unknown. Affected: yes. Observed: 1 variant allele. Not counted in ClinVar's aggregate classification.

OMIM
Classification: Pathogenic for RETINAL DYSTROPHY, EARLY-ONSET SEVERE. Last evaluated: 2006-05-01. Review status: no assertion criteria provided. Collection method: literature only. Allele origin: germline. Not counted in ClinVar's aggregate classification.

Clinical Genetics, Academic Medical Center
Classification: Pathogenic. Review status: no assertion criteria provided. Collection method: clinical testing. Allele origin: germline. Affected: yes. Study: VKGL Data-share Consensus. Not counted in ClinVar's aggregate classification.

Joint Genome Diagnostic Labs from Nijmegen and Maastricht, Radboudumc and MUMC+
Classification: Pathogenic. Review status: no assertion criteria provided. Collection method: clinical testing. Allele origin: germline. Affected: yes. Study: VKGL Data-share Consensus. Not counted in ClinVar's aggregate classification.

Retina International
No classification provided. Review status: no classification provided. Collection method: not provided. Allele origin: not provided. Not counted in ClinVar's aggregate classification.

Literature cited by the submitters: PubMed 25312043 (cited by 3 submitters); PubMed 16546111 (cited by 4 submitters); PubMed 25544989 (cited by 5 submitters); PubMed 28947085 (cited by 5 submitters); PubMed 10958761 (cited by Labcorp Genetics (formerly Invitae), Labcorp); PubMed 24938718 (cited by Labcorp Genetics (formerly Invitae), Labcorp); PubMed 26780318 (cited by Labcorp Genetics (formerly Invitae), Labcorp and Institute of Human Genetics, Univ. Regensburg, Univ. Regensburg); PubMed 35119454 (cited by Variantyx, Inc. and Institute of Human Genetics, Univ. Regensburg, Univ. Regensburg); PubMed 30718709 (cited by OLLIN Analises Genomicas, OLLIN and Department of Clinical Genetics, Copenhagen University Hospital, Rigshospitalet); PubMed 9973280 (cited by 3 submitters); PubMed 36909829 (cited by Ophthalmic Genetics Group, Institute of Molecular and Clinical Ophthalmology Basel); PubMed 22589445 (cited by Institute of Human Genetics, Univ. Regensburg, Univ. Regensburg); PubMed 23755871 (cited by Institute of Human Genetics, Univ. Regensburg, Univ. Regensburg); PubMed 26247787 (cited by Institute of Human Genetics, Univ. Regensburg, Univ. Regensburg); PubMed 25525159 (cited by Institute of Human Genetics, Univ. Regensburg, Univ. Regensburg); PubMed 29186038 (cited by Institute of Human Genetics, Univ. Regensburg, Univ. Regensburg); PubMed 29641573 (cited by Institute of Human Genetics, Univ. Regensburg, Univ. Regensburg); PubMed 30093795 (cited by Institute of Human Genetics, Univ. Regensburg, Univ. Regensburg); PubMed 29925512 (cited by Institute of Human Genetics, Univ. Regensburg, Univ. Regensburg); PubMed 32619608 (cited by Institute of Human Genetics, Univ. Regensburg, Univ. Regensburg); PubMed 31964843 (cited by Institute of Human Genetics, Univ. Regensburg, Univ. Regensburg); PubMed 32307445 (cited by Institute of Human Genetics, Univ. Regensburg, Univ. Regensburg); PubMed 32090030 (cited by Institute of Human Genetics, Univ. Regensburg, Univ. Regensburg); PubMed 33090715 (cited by Institute of Human Genetics, Univ. Regensburg, Univ. Regensburg); PubMed 32581362 (cited by Institute of Human Genetics, Univ. Regensburg, Univ. Regensburg); PubMed 33691693 (cited by Institute of Human Genetics, Univ. Regensburg, Univ. Regensburg); PubMed 34758253 (cited by Institute of Human Genetics, Univ. Regensburg, Univ. Regensburg); PubMed 33301772 (cited by Institute of Human Genetics, Univ. Regensburg, Univ. Regensburg); PubMed 35260635 (cited by Institute of Human Genetics, Univ. Regensburg, Univ. Regensburg); PubMed 36460718 (cited by Institute of Human Genetics, Univ. Regensburg, Univ. Regensburg); PubMed 35076026 (cited by Institute of Human Genetics, Univ. Regensburg, Univ. Regensburg); PubMed 36819107 (cited by Institute of Human Genetics, Univ. Regensburg, Univ. Regensburg); PubMed 28041643 (cited by NIHR Bioresource Rare Diseases, University of Cambridge).